The following is an entry in ClinVar:

ClinVar aggregate classification (germline): Likely benign. Review status: criteria provided, multiple submitters, no conflicts (2 of 4 stars). 2 submissions from 2 submitters: Likely benign (2). Last evaluated 2026-06-20.

Conditions:
Hereditary cancer-predisposing syndrome. Also called: Hereditary Cancer Syndrome; Neoplastic Syndromes, Hereditary; Tumor predisposition; Hereditary neoplastic syndrome. Identifiers: Orphanet 140162, MedGen C0027672, MeSH D009386, MONDO:0015356.

Submissions (2):

Ambry Genetics
Classification: Likely benign for Hereditary cancer-predisposing syndrome. Last evaluated: 2026-06-20. Review status: criteria provided, single submitter. Criteria: Ambry Variant Classification Scheme 2023. Collection method: clinical testing. Allele origin: germline.

CeGaT Center for Human Genetics Tuebingen
Classification: Likely benign. Last evaluated: 2025-08-01. Review status: criteria provided, single submitter. Criteria: CeGaT Center For Human Genetics Tuebingen Variant Classification Criteria Version 2. Collection method: clinical testing. Allele origin: germline. Affected: yes. Observed: 1 variant allele.
Comment: PRKAR1A: PM2:Supporting, BP4, BP7

NM_002734.5(PRKAR1A):c.1017T>G (p.Val339=)

Gene: PRKAR1A (protein kinase cAMP-dependent type I regulatory subunit alpha; plus strand). Cytogenetic location: 17q24.2.
Variant type: single nucleotide variant.
Coding change: c.1017T>G on transcript NM_002734.5 (MANE Select); coding-DNA position 1017, T replaced by G.
Protein change: p.Val339=; no amino-acid change (valine 339 retained).
Molecular consequence: synonymous variant. On other transcripts: intron variant (1).
Genome position (GRCh38, 1-based): chr17:68,530,320, T>G. VCF-style: chr17-68530320-T-G. GRCh37 (hg19) VCF-style: chr17-66526461-T-G.
Other names: c.1017T>G, p.Val339= (NM_001276289.2, NM_001278433.2, NM_001369389.1 and 3 more transcripts); c.973+319T>G (NM_001276290.1); c.1017T>G (NM_002734.3).
Identifiers: ClinVar variation 4085783 (VCV004085783.9).